The following is an entry in ClinVar:

NM_015355.4(SUZ12):c.1437+1G>T

Gene: SUZ12 (SUZ12 polycomb repressive complex 2 subunit; plus strand). Cytogenetic location: 17q11.2.
Variant type: single nucleotide variant.
Coding change: c.1437+1G>T on transcript NM_015355.4 (MANE Select); the canonical splice donor site of the intron after coding-DNA position 1437, G replaced by T.
Molecular consequence: splice donor variant.
Genome position (GRCh38, 1-based): chr17:31,994,009, G>T. VCF-style: chr17-31994009-G-T. GRCh37 (hg19) VCF-style: chr17-30321028-G-T.
Other names: c.1368+1G>T (NM_001321207.2).
Identifiers: ClinVar variation 1333578 (VCV001333578.1), dbSNP rs2142215091, ClinGen allele CA399032282.

ClinVar aggregate classification (germline): Likely pathogenic (1 of 4 stars; one submission).

Conditions:
Imagawa-Matsumoto syndrome. Identifiers: Orphanet 659463, MedGen C5394073, MONDO:0032916, OMIM 618786.

Submission:

3billion
Classification: Likely pathogenic for Imagawa-Matsumoto syndrome. Last evaluated: 2022-01-03. Review status: criteria provided, single submitter. Criteria: ACMG Guidelines, 2015. Collection method: clinical testing. Allele origin: germline. Affected: yes. Observed: 1 heterozygote.
Comment: Canonical splice site: predicted to alter splicing and result in a loss or disruption of normal protein function through protein truncation. Multiple pathogenic variants are reported in the predicted truncated region (PVS1_VS).It is not observed in the gnomAD v2.1.1 dataset (PM2_M). Therefore, this variant is classified as likely pathogenic according to the recommendation of ACMG/AMP guideline.